The following is an entry in ClinVar:

NM_005491.5(MAMLD1):c.2144T>C (p.Leu715Pro)

Gene: MAMLD1 (mastermind like domain containing 1; plus strand). Cytogenetic location: Xq28.
Variant type: single nucleotide variant.
Coding change: c.2144T>C on transcript NM_005491.5 (MANE Select); coding-DNA position 2144, T replaced by C.
Protein change: p.Leu715Pro; replaces leucine 715 with proline.
Molecular consequence: missense variant. On other transcripts: intron variant (2).
Genome position (GRCh38, 1-based): chrX:150,503,377, T>C. VCF-style: chrX-150503377-T-C. GRCh37 (hg19) VCF-style: chrX-149671647-T-C.
Other names: c.2069T>C, p.Leu690Pro (NM_001177466.3); c.2021T>C, p.Leu674Pro (NM_001400513.1); c.1946T>C, p.Leu649Pro (NM_001400514.1); c.2144T>C, p.Leu715Pro (NM_001400515.1); c.1918-6585T>C (NM_001400512.1); c.1843-6585T>C (NM_001177465.3); short protein forms L674P, L715P, L649P, L690P.
Identifiers: ClinVar variation 2072761 (VCV002072761.5), dbSNP rs782527828, ClinGen allele CA10538924.

ClinVar aggregate classification (germline): Uncertain significance. Review status: criteria provided, multiple submitters, no conflicts (2 of 4 stars). 2 submissions from 2 submitters: Uncertain significance (2). Last evaluated 2025-03-20.

Conditions:
Hypospadias 2, X-linked (HYSP2). Identifiers: Orphanet 440, MedGen C2677879, MONDO:0010423, OMIM 300758.

Allele frequency attached by ClinVar (database versions not stated): ExAC 0.00003; gnomAD exomes 0.00007; gnomAD 0.00001; TOPMed 0.00003.
gnomAD v4.1: 77 of 1,211,003 alleles (0.0064%); highest among the groups gnomAD compares: South Asian, 0.012%; no homozygotes.

Submissions (2):

Revvity Omics, Revvity
Classification: Uncertain significance for Hypospadias 2, X-linked. Last evaluated: 2025-03-20. Review status: criteria provided, single submitter. Criteria: ACMG Guidelines, 2015. Collection method: clinical testing. Allele origin: germline.

Labcorp Genetics (formerly Invitae), Labcorp
Classification: Uncertain significance. Last evaluated: 2022-05-06. Review status: criteria provided, single submitter. Criteria: Invitae Variant Classification Sherloc (09022015). Collection method: clinical testing. Allele origin: germline.
Comment: This variant is present in population databases (rs782527828, gnomAD 0.01%), including at least one homozygous and/or hemizygous individual. In summary, the available evidence is currently insufficient to determine the role of this variant in disease. Therefore, it has been classified as a Variant of Uncertain Significance. Algorithms developed to predict the effect of missense changes on protein structure and function are either unavailable or do not agree on the potential impact of this missense change (SIFT: "Deleterious"; PolyPhen-2: "Probably Damaging"; Align-GVGD: "Class C0"). This variant has not been reported in the literature in individuals affected with MAMLD1-related conditions. This sequence change replaces leucine, which is neutral and non-polar, with proline, which is neutral and non-polar, at codon 715 of the MAMLD1 protein (p.Leu715Pro).